The following is an entry in ClinVar:

NM_007294.4(BRCA1):c.2688T>G (p.Ser896Arg)

Gene: BRCA1 (BRCA1 DNA repair associated; minus strand). Cytogenetic location: 17q21.31.
Variant type: single nucleotide variant.
Coding change: c.2688T>G on transcript NM_007294.4 (MANE Select); coding-DNA position 2688, T replaced by G.
Protein change: p.Ser896Arg; replaces serine 896 with arginine.
Molecular consequence: missense variant. On other transcripts: intron variant (137).
Genome position (GRCh38, 1-based): chr17:43,092,843, A>C on the plus strand (T>G on the coding strand, the complement: BRCA1 is on the minus strand). VCF-style: chr17-43092843-A-C. GRCh37 (hg19) VCF-style: chr17-41244860-A-C.
Other names: c.2688T>G, p.Ser896Arg (NM_001407639.1, NM_001407640.1, NM_001407641.1 and 30 more transcripts); c.2685T>G, p.Ser895Arg (NM_001407644.1, NM_001407645.1, NM_001407587.1 and 22 more transcripts); c.2679T>G, p.Ser893Arg (NM_001407646.1, NM_001407647.1); c.2475T>G, p.Ser825Arg (NM_001407571.1, NM_001407853.1, NM_001407894.1 and 9 more transcripts); c.2565T>G, p.Ser855Arg (NM_001407648.1, NM_001407664.1, NM_001407665.1 and 19 more transcripts); c.2562T>G, p.Ser854Arg (NM_001407649.1, NM_001407670.1, NM_001407671.1 and 11 more transcripts); c.2610T>G, p.Ser870Arg (NM_001407653.1, NM_001407654.1, NM_001407655.1 and 4 more transcripts); c.2607T>G, p.Ser869Arg (NM_001407659.1, NM_001407660.1, NM_001407661.1 and 1 more transcripts); and 41 more; short protein forms S728R, S829R, S870R, S600R, S768R, S826R, S848R, S895R.
Identifiers: ClinVar variation 1794759 (VCV001794759.4), dbSNP rs2154364554, ClinGen allele CA10596622.

ClinVar aggregate classification (germline): Conflicting classifications of pathogenicity. Review status: criteria provided, conflicting classifications (1 of 4 stars). 2 submissions from 2 submitters: Uncertain significance (1); Likely benign (1). Last evaluated 2023-03-23.

Conditions:
Hereditary cancer-predisposing syndrome. Also called: Tumor predisposition; Hereditary Cancer Syndrome; Neoplastic Syndromes, Hereditary; Hereditary neoplastic syndrome. Identifiers: Orphanet 140162, MedGen C0027672, MeSH D009386, MONDO:0015356.

Submissions (2):

University of Washington Department of Laboratory Medicine, University of Washington
Classification: Likely benign for Hereditary cancer-predisposing syndrome. Last evaluated: 2023-03-23. Review status: criteria provided, single submitter. Criteria: Dines et al. (Genet Med. 2020). Collection method: curation. Allele origin: germline.
Comment: Missense variant in a coldspot region where missense variants are very unlikely to be pathogenic (PMID:31911673).

BRCA1 coldspot (exon 11 using historical exon numbering). Reclassification based on statistical prior probability

Ambry Genetics
Classification: Uncertain significance for Hereditary cancer-predisposing syndrome. Last evaluated: 2021-10-31. Review status: criteria provided, single submitter. Criteria: Ambry Variant Classification Scheme 2023. Collection method: clinical testing. Allele origin: germline.
Comment: The p.S896R variant (also known as c.2688T>G), located in coding exon 9 of the BRCA1 gene, results from a T to G substitution at nucleotide position 2688. The serine at codon 896 is replaced by arginine, an amino acid with dissimilar properties. This amino acid position is conserved. In addition, the in silico prediction for this alteration is inconclusive. Since supporting evidence is limited at this time, the clinical significance of this alteration remains unclear.